The following is an entry in ClinVar:

NM_014727.3(KMT2B):c.5184C>T (p.Ile1728=)

Gene: KMT2B (lysine methyltransferase 2B; plus strand). Cytogenetic location: 19q13.12.
Variant type: single nucleotide variant.
Coding change: c.5184C>T on transcript NM_014727.3 (MANE Select); coding-DNA position 5184, C replaced by T.
Protein change: p.Ile1728=; no amino-acid change (isoleucine 1728 retained).
Molecular consequence: synonymous variant.
Genome position (GRCh38, 1-based): chr19:35,730,449, C>T. VCF-style: chr19-35730449-C-T. GRCh37 (hg19) VCF-style: chr19-36221350-C-T.
Other names: c.5184C>T (NM_014727.2).
Identifiers: ClinVar variation 1598496 (VCV001598496.38), dbSNP rs763842063, ClinGen allele CA9385326.

ClinVar aggregate classification (germline): Likely benign. Review status: criteria provided, multiple submitters, no conflicts (2 of 4 stars). 4 submissions from 4 submitters: Likely benign (3). 1 of the submissions does not count toward it. Last evaluated 2025-11-17.

Conditions:
KMT2B-related disorder. Also called: KMT2B-related disorders; KMT2B-related condition. Identifiers: MedGen CN381338.

Allele frequency attached by ClinVar (database versions not stated): gnomAD 0.00005; TOPMed 0.00005; ExAC 0.00007; gnomAD exomes 0.00007 and 0.00010.
gnomAD v4.1: 113 of 1,613,758 alleles (0.007%); highest among the groups gnomAD compares: Middle Eastern, 0.082%; no homozygotes.

Submissions (4):

Labcorp Genetics (formerly Invitae), Labcorp
Classification: Likely benign. Last evaluated: 2025-11-17. Review status: criteria provided, single submitter. Criteria: Invitae Variant Classification Sherloc (09022015). Collection method: clinical testing. Allele origin: germline.

CeGaT Center for Human Genetics Tuebingen
Classification: Likely benign. Last evaluated: 2025-03-01. Review status: criteria provided, single submitter. Criteria: CeGaT Center For Human Genetics Tuebingen Variant Classification Criteria Version 2. Collection method: clinical testing. Allele origin: germline. Affected: yes. Observed: 10 variant alleles.
Comment: KMT2B: BP4, BP7

Blueprint Genetics
Classification: Likely benign. Last evaluated: 2024-07-09. Review status: criteria provided, single submitter. Criteria: ACMG Guidelines, 2015. Collection method: clinical testing. Allele origin: germline.

PreventionGenetics, part of Exact Sciences
Classification: Likely benign for KMT2B-related condition. Last evaluated: 2019-04-01. Review status: no assertion criteria provided. Collection method: clinical testing. Allele origin: germline. Not counted in ClinVar's aggregate classification.
Comment: This variant is classified as likely benign based on ACMG/AMP sequence variant interpretation guidelines (Richards et al. 2015 PMID: 25741868, with internal and published modifications).